The following is an entry in ClinVar:

ClinVar aggregate classification (germline): Uncertain significance (1 of 4 stars; one submission).

Submission:

GeneDx
Classification: Uncertain significance. Last evaluated: 2024-05-07. Review status: criteria provided, single submitter. Criteria: GeneDx Variant Classification Process June 2021. Collection method: clinical testing. Allele origin: germline. Affected: yes.
Comment: In silico analysis supports that this missense variant has a deleterious effect on protein structure/function; Has not been previously published as pathogenic or benign to our knowledge

NM_014159.7(SETD2):c.868G>A (p.Glu290Lys)

Gene: SETD2 (SET domain containing 2, histone lysine methyltransferase; minus strand). Cytogenetic location: 3p21.31.
Variant type: single nucleotide variant.
Coding change: c.868G>A on transcript NM_014159.7 (MANE Select); coding-DNA position 868, G replaced by A.
Protein change: p.Glu290Lys; replaces glutamic acid 290 with lysine.
Molecular consequence: missense variant. On other transcripts: non-coding transcript variant (1).
Genome position (GRCh38, 1-based): chr3:47,123,768, C>T on the plus strand (G>A on the coding strand, the complement: SETD2 is on the minus strand). VCF-style: chr3-47123768-C-T. GRCh37 (hg19) VCF-style: chr3-47165258-C-T.
Other names: c.736G>A, p.Glu246Lys (NM_001349370.3); short protein forms E246K, E290K.
Identifiers: ClinVar variation 3375582 (VCV003375582.1).
Genomic context (GRCh38, chr3:47,123,768, plus strand): 5'-TCTTCTTAGAACCTGTTTTTTTACAGCTCAGACTAATCTTAGAACTATCTGGAATTTCTT[C>T]ATCCTTCCCAATATGGGAATCTTCTTTTTTTGAGGAAATATCTGCTTGCTCATTCAATAT-3'
Protein context (NP_054878.5, residues 280-300): KKEDSHIGKD[Glu290Lys]EIPDSSKISL